The following is an entry in ClinVar:

NC_000005.9:g.(?_130515768)_(130515880_?)del

Gene: LYRM7 (LYR motif containing 7; plus strand). Cytogenetic location: 5q23.3.
Variant type: Deletion.
Identifiers: ClinVar variation 3246575 (VCV003246575.1).

ClinVar aggregate classification (germline): Pathogenic (1 of 4 stars; one submission).

Submission:

Labcorp Genetics (formerly Invitae), Labcorp
Classification: Pathogenic. Last evaluated: 2023-08-30. Review status: criteria provided, single submitter. Criteria: Invitae Variant Classification Sherloc (09022015). Collection method: clinical testing. Allele origin: unknown.
Comment: This variant is a gross deletion of the genomic region encompassing exon(s) 2 of the LYRM7 gene. This deletion is out-of-frame, and is expected to create a premature termination codon and result in an absent or disrupted protein product. Loss-of-function variants in LYRM7 are known to be pathogenic (PMID: 26912632). This variant has not been reported in the literature in individuals affected with LYRM7-related conditions. For these reasons, this variant has been classified as Pathogenic.

Literature cited by the submitters: PubMed 26912632.